The following is an entry in ClinVar:

NM_001128425.2(MUTYH):c.175G>C (p.Ala59Pro)

Gene: MUTYH (mutY DNA glycosylase; minus strand). Cytogenetic location: 1p34.1.
Variant type: single nucleotide variant.
Coding change: c.175G>C on transcript NM_001128425.2 (MANE Plus Clinical); coding-DNA position 175, G replaced by C.
Protein change: p.Ala59Pro; replaces alanine 59 with proline.
Molecular consequence: missense variant. On other transcripts: intron variant (10).
Genome position (GRCh38, 1-based): chr1:45,333,586, C>G on the plus strand (G>C on the coding strand, the complement: MUTYH is on the minus strand). VCF-style: chr1-45333586-C-G. GRCh37 (hg19) VCF-style: chr1-45799258-C-G.
Other names: c.124G>C, p.Ala42Pro (NM_001293191.2); c.166G>C, p.Ala56Pro (NM_012222.3); c.-92-89G>C (NM_001350651.2); c.-97-89G>C (NM_001293192.2, NM_001293196.2); c.-156-25G>C (NM_001350650.2); c.116-25G>C (NM_001048171.2, NM_001048173.2, NM_001048174.2 and 1 more transcripts); c.158-22G>C (NM_001293190.2); c.116-22G>C (NM_001048172.2); short protein forms A42P, A56P, A59P.
Identifiers: ClinVar variation 641522 (VCV000641522.8), dbSNP rs1570447125, ClinGen allele CA340136806.

ClinVar aggregate classification (germline): Uncertain significance (1 of 4 stars; one submission).

Conditions:
Familial adenomatous polyposis 2. Also called: COLORECTAL ADENOMATOUS POLYPOSIS, AUTOSOMAL RECESSIVE; ADENOMAS, MULTIPLE COLORECTAL, AUTOSOMAL RECESSIVE; MUTYH-associated polyposis; MUTYH-related attenuated familial adenomatous polyposis; MUTYH Polyposis; Adenomas, multiple colorectal. Identifiers: Orphanet 220460, Orphanet 247798, MedGen C3272841, MONDO:0012041, OMIM 608456.

Submission:

Labcorp Genetics (formerly Invitae), Labcorp
Classification: Uncertain significance for Familial adenomatous polyposis 2. Last evaluated: 2022-09-08. Review status: criteria provided, single submitter. Criteria: Invitae Variant Classification Sherloc (09022015). Collection method: clinical testing. Allele origin: germline.
Comment: In summary, the available evidence is currently insufficient to determine the role of this variant in disease. Therefore, it has been classified as a Variant of Uncertain Significance. Algorithms developed to predict the effect of missense changes on protein structure and function output the following: SIFT: "Tolerated"; PolyPhen-2: "Benign"; Align-GVGD: "Class C0". The proline amino acid residue is found in multiple mammalian species, which suggests that this missense change does not adversely affect protein function. ClinVar contains an entry for this variant (Variation ID: 641522). This variant has not been reported in the literature in individuals affected with MUTYH-related conditions. This variant is not present in population databases (gnomAD no frequency). This sequence change replaces alanine, which is neutral and non-polar, with proline, which is neutral and non-polar, at codon 59 of the MUTYH protein (p.Ala59Pro).